The following is an entry in ClinVar:

NM_004370.6(COL12A1):c.4420C>T (p.Pro1474Ser)

Gene: COL12A1 (collagen type XII alpha 1 chain; minus strand). Cytogenetic location: 6q13.
Variant type: single nucleotide variant.
Coding change: c.4420C>T on transcript NM_004370.6 (MANE Select); coding-DNA position 4420, C replaced by T.
Protein change: p.Pro1474Ser; replaces proline 1474 with serine.
Molecular consequence: missense variant.
Genome position (GRCh38, 1-based): chr6:75,146,242, G>A on the plus strand (C>T on the coding strand, the complement: COL12A1 is on the minus strand). VCF-style: chr6-75146242-G-A. GRCh37 (hg19) VCF-style: chr6-75855958-G-A.
Other names: c.928C>T, p.Pro310Ser (NM_080645.3); short protein forms P1474S, P310S.
Identifiers: ClinVar variation 1513072 (VCV001513072.11), dbSNP rs750010185, ClinGen allele CA3893449.

ClinVar aggregate classification (germline): Uncertain significance. Review status: criteria provided, multiple submitters, no conflicts (2 of 4 stars). 3 submissions from 3 submitters: Uncertain significance (3). Last evaluated 2025-07-27.

Conditions:
Ullrich congenital muscular dystrophy 2 (UCMD2). Identifiers: Orphanet 75840, MedGen C4225314, MONDO:0014654, OMIM 616470.
Bethlem myopathy 2 (BTHLM2). Identifiers: Orphanet 536516, Orphanet 610, MedGen C4225313, MONDO:0034022, OMIM 616471.

Allele frequency attached by ClinVar (database versions not stated): ExAC 0.00001; TOPMed 0.00002; gnomAD exomes 0.00002; gnomAD 0.00001.
gnomAD v4.1: 12 of 1,595,078 alleles (0.00075%); highest among the groups gnomAD compares: Admixed American, 0.0018%; no homozygotes.

Submissions (3):

Labcorp Genetics (formerly Invitae), Labcorp
Classification: Uncertain significance for Bethlem myopathy 2; Ullrich congenital muscular dystrophy 2. Last evaluated: 2025-07-27. Review status: criteria provided, single submitter. Criteria: Invitae Variant Classification Sherloc (09022015). Collection method: clinical testing. Allele origin: germline.
Comment: This sequence change replaces proline, which is neutral and non-polar, with serine, which is neutral and polar, at codon 1474 of the COL12A1 protein (p.Pro1474Ser). The frequency data for this variant in the population databases is considered unreliable, as metrics indicate poor data quality at this position in the gnomAD database. This variant has not been reported in the literature in individuals affected with COL12A1-related conditions. ClinVar contains an entry for this variant (Variation ID: 1513072). An algorithm developed to predict the effect of missense changes on protein structure and function (PolyPhen-2) suggests that this variant is likely to be tolerated. In summary, the available evidence is currently insufficient to determine the role of this variant in disease. Therefore, it has been classified as a Variant of Uncertain Significance.

Revvity Omics, Revvity
Classification: Uncertain significance. Last evaluated: 2022-03-28. Review status: criteria provided, single submitter. Criteria: ACMG Guidelines, 2015. Collection method: clinical testing. Allele origin: germline.

Fulgent Genetics
Classification: Uncertain significance for Ullrich congenital muscular dystrophy 2; Bethlem myopathy 2. Last evaluated: 2021-11-04. Review status: criteria provided, single submitter. Criteria: ACMG Guidelines, 2015. Collection method: clinical testing. Allele origin: unknown.